The following is an entry in ClinVar:

ClinVar aggregate classification (germline): Uncertain significance. Review status: criteria provided, multiple submitters, no conflicts (2 of 4 stars). 2 submissions from 2 submitters: Uncertain significance (2). Last evaluated 2022-09-29.

Conditions:
Hereditary cancer-predisposing syndrome. Also called: Neoplastic Syndromes, Hereditary; Tumor predisposition; Hereditary neoplastic syndrome; Hereditary Cancer Syndrome. Identifiers: Orphanet 140162, MedGen C0027672, MeSH D009386, MONDO:0015356.
POLD1-related polyposis and colorectal cancer syndrome (CRCS10). Also called: COLORECTAL CANCER, SUSCEPTIBILITY TO, ON CHROMOSOME 19q; Colorectal cancer 10; Colorectal cancer, susceptibility to, 10. Identifiers: Orphanet 220460, MedGen C2675481, MONDO:0012953, OMIM 612591.

Submissions (2):

Labcorp Genetics (formerly Invitae), Labcorp
Classification: Uncertain significance for POLD1-related polyposis and colorectal cancer syndrome. Last evaluated: 2022-09-29. Review status: criteria provided, single submitter. Criteria: Invitae Variant Classification Sherloc (09022015). Collection method: clinical testing. Allele origin: germline.
Comment: This variant is not present in population databases (gnomAD no frequency). In summary, the available evidence is currently insufficient to determine the role of this variant in disease. Therefore, it has been classified as a Variant of Uncertain Significance. Algorithms developed to predict the effect of missense changes on protein structure and function are either unavailable or do not agree on the potential impact of this missense change (SIFT: "Deleterious"; PolyPhen-2: "Possibly Damaging"; Align-GVGD: "Class C0"). This variant has not been reported in the literature in individuals affected with POLD1-related conditions. This sequence change replaces arginine, which is basic and polar, with glycine, which is neutral and non-polar, at codon 1074 of the POLD1 protein (p.Arg1074Gly).

Ambry Genetics
Classification: Uncertain significance for Hereditary cancer-predisposing syndrome. Last evaluated: 2021-06-20. Review status: criteria provided, single submitter. Criteria: Ambry Variant Classification Scheme 2023. Collection method: clinical testing. Allele origin: germline.
Comment: The p.R1074G variant (also known as c.3220C>G), located in coding exon 26 of the POLD1 gene, results from a C to G substitution at nucleotide position 3220. The arginine at codon 1074 is replaced by glycine, an amino acid with dissimilar properties. This amino acid position is conserved. In addition, the in silico prediction for this alteration is inconclusive. Since supporting evidence is limited at this time, the clinical significance of this alteration remains unclear.

NM_002691.4(POLD1):c.3220C>G (p.Arg1074Gly)

Gene: POLD1 (DNA polymerase delta 1, catalytic subunit; plus strand). Cytogenetic location: 19q13.33.
Variant type: single nucleotide variant.
Coding change: c.3220C>G on transcript NM_002691.4 (MANE Select); coding-DNA position 3220, C replaced by G.
Protein change: p.Arg1074Gly; replaces arginine 1074 with glycine.
Molecular consequence: missense variant. On other transcripts: non-coding transcript variant (1).
Genome position (GRCh38, 1-based): chr19:50,417,843, C>G. VCF-style: chr19-50417843-C-G. GRCh37 (hg19) VCF-style: chr19-50921100-C-G.
Other names: c.3220C>G, p.Arg1074Gly (NM_001256849.1); c.3298C>G, p.Arg1100Gly (NM_001308632.1); short protein forms R1074G, R1100G.
Identifiers: ClinVar variation 1729077 (VCV001729077.7), dbSNP rs778190445, ClinGen allele CA406987661.